The following is an entry in ClinVar:

ClinVar aggregate classification (germline): Uncertain significance (1 of 4 stars; one submission).

Conditions:
Hereditary spastic paraplegia 39 (SPG39). Also called: SPASTIC PARAPLEGIA 39, AUTOSOMAL RECESSIVE; Spastic Paraplegia Type 39 (SPG39). Identifiers: Orphanet 139480, MedGen C2677586, MONDO:0012787, OMIM 612020.

Submission:

Labcorp Genetics (formerly Invitae), Labcorp
Classification: Uncertain significance for Hereditary spastic paraplegia 39. Last evaluated: 2022-08-30. Review status: criteria provided, single submitter. Criteria: Invitae Variant Classification Sherloc (09022015). Collection method: clinical testing. Allele origin: germline.
Comment: In summary, the available evidence is currently insufficient to determine the role of this variant in disease. Therefore, it has been classified as a Variant of Uncertain Significance. Algorithms developed to predict the effect of missense changes on protein structure and function (SIFT, PolyPhen-2, Align-GVGD) all suggest that this variant is likely to be tolerated. ClinVar contains an entry for this variant (Variation ID: 1363648). This variant has not been reported in the literature in individuals affected with PNPLA6-related conditions. This variant is not present in population databases (gnomAD no frequency). This sequence change replaces histidine, which is basic and polar, with arginine, which is basic and polar, at codon 696 of the PNPLA6 protein (p.His696Arg).

NM_001166114.2(PNPLA6):c.2204A>G (p.His735Arg)

Gene: PNPLA6 (patatin like domain 6, lysophospholipase; plus strand). Cytogenetic location: 19p13.2.
Variant type: single nucleotide variant.
Coding change: c.2204A>G on transcript NM_001166114.2 (MANE Select); coding-DNA position 2204, A replaced by G.
Protein change: p.His735Arg; replaces histidine 735 with arginine.
Molecular consequence: missense variant.
Genome position (GRCh38, 1-based): chr19:7,551,381, A>G. VCF-style: chr19-7551381-A-G. GRCh37 (hg19) VCF-style: chr19-7616267-A-G.
Other names: c.2231A>G, p.His744Arg (NM_001166111.2); c.2009A>G, p.His670Arg (NM_001166112.2); c.2087A>G, p.His696Arg (NM_001166113.1, NM_006702.5); short protein forms H670R, H744R, H696R, H735R.
Identifiers: ClinVar variation 1363648 (VCV001363648.6), dbSNP rs2146091516, ClinGen allele CA403125082.
Genomic context (GRCh38, chr19:7,551,381, plus strand): 5'-TTCCCAGGTCTCACTGAAATGCCGGCCTCCAACGCCCCCAGGTCGTGACCCGCCTTATCC[A>G]CCTACTGAGCCAGAAAATTCTAGGGAATTTGCAGCAGCTGCAAGGACCCTTCCCAGGTGA-3'
Protein context (NP_001159586.1, residues 725-745): RYPQVVTRLI[His735Arg]LLSQKILGNL